The following is an entry in ClinVar:

NM_024989.4(PGAP1):c.749G>A (p.Arg250His)

Gene: PGAP1 (post-GPI attachment to proteins inositol deacylase 1; minus strand). Cytogenetic location: 2q33.1.
Variant type: single nucleotide variant.
Coding change: c.749G>A on transcript NM_024989.4 (MANE Select); coding-DNA position 749, G replaced by A.
Protein change: p.Arg250His; replaces arginine 250 with histidine.
Molecular consequence: missense variant. On other transcripts: 5 prime UTR variant (1).
Genome position (GRCh38, 1-based): chr2:196,902,643, C>T on the plus strand (G>A on the coding strand, the complement: PGAP1 is on the minus strand). VCF-style: chr2-196902643-C-T. GRCh37 (hg19) VCF-style: chr2-197767367-C-T.
Other names: c.749G>A (NM_024989.3); c.227G>A, p.Arg76His (NM_001321099.2); c.-363G>A (NM_001321100.2); short protein forms R250H, R76H.
Identifiers: ClinVar variation 1984495 (VCV001984495.5), dbSNP rs764146325, ClinGen allele CA2041128.

ClinVar aggregate classification (germline): Uncertain significance. Review status: criteria provided, multiple submitters, no conflicts (2 of 4 stars). 2 submissions from 2 submitters: Uncertain significance (2). Last evaluated 2024-09-18.

Conditions:
Intellectual disability, autosomal recessive 42 (NEDDSBA). Also called: GLYCOSYLPHOSPHATIDYLINOSITOL BIOSYNTHESIS DEFECT 9; Neurodevelopmental disorder with dysmorphic features, spasticity, and brain abnormalities. Identifiers: Orphanet 88616, MedGen C4014343, MONDO:0014348, OMIM 615802.

Allele frequency attached by ClinVar (database versions not stated): ExAC 0.00001; gnomAD exomes 0.00001; gnomAD 0.00003; TOPMed 0.00003.

Submissions (2):

GeneDx
Classification: Uncertain significance. Last evaluated: 2024-09-18. Review status: criteria provided, single submitter. Criteria: GeneDx Variant Classification Process June 2021. Collection method: clinical testing. Allele origin: germline. Affected: yes.
Comment: Not observed at significant frequency in large population cohorts (gnomAD); In silico analysis supports that this missense variant has a deleterious effect on protein structure/function; Has not been previously published as pathogenic or benign to our knowledge

Labcorp Genetics (formerly Invitae), Labcorp
Classification: Uncertain significance for Intellectual disability, autosomal recessive 42. Last evaluated: 2022-01-06. Review status: criteria provided, single submitter. Criteria: Invitae Variant Classification Sherloc (09022015). Collection method: clinical testing. Allele origin: germline.
Comment: In summary, the available evidence is currently insufficient to determine the role of this variant in disease. Therefore, it has been classified as a Variant of Uncertain Significance. Algorithms developed to predict the effect of missense changes on protein structure and function are either unavailable or do not agree on the potential impact of this missense change (SIFT: "Tolerated"; PolyPhen-2: "Probably Damaging"; Align-GVGD: "Class C0"). This variant has not been reported in the literature in individuals affected with PGAP1-related conditions. This variant is present in population databases (rs764146325, gnomAD 0.005%). This sequence change replaces arginine, which is basic and polar, with histidine, which is basic and polar, at codon 250 of the PGAP1 protein (p.Arg250His).